The following is an entry in ClinVar:

NM_001322934.2(NFKB2):c.453A>G (p.Ile151Met)

Gene: NFKB2 (nuclear factor kappa B subunit 2; plus strand). Cytogenetic location: 10q24.32.
Variant type: single nucleotide variant.
Coding change: c.453A>G on transcript NM_001322934.2 (MANE Select); coding-DNA position 453, A replaced by G.
Protein change: p.Ile151Met; replaces isoleucine 151 with methionine.
Molecular consequence: missense variant.
Genome position (GRCh38, 1-based): chr10:102,397,359, A>G. VCF-style: chr10-102397359-A-G. GRCh37 (hg19) VCF-style: chr10-104157116-A-G.
Other names: c.453A>G, p.Ile151Met (NM_001077494.3, NM_001261403.3, NM_001288724.1 and 2 more transcripts); short protein forms I151M.
Identifiers: ClinVar variation 1683526 (VCV001683526.4), dbSNP rs2135430396, ClinGen allele CA377896740.

ClinVar aggregate classification (germline): Uncertain significance. Review status: criteria provided, multiple submitters, no conflicts (2 of 4 stars). 2 submissions from 2 submitters: Uncertain significance (2). Last evaluated 2024-06-26.

Conditions:
Immunodeficiency, common variable, 10. Also called: IMMUNODEFICIENCY, COMMON VARIABLE, WITH CENTRAL ADRENAL INSUFFICIENCY; DEFICIT IN ANTERIOR PITUITARY FUNCTION AND VARIABLE IMMUNODEFICIENCY. Identifiers: MedGen C3809991, MONDO:0014260, OMIM 615577.

Allele frequency attached by ClinVar (database versions not stated): gnomAD exomes below 0.00001.
gnomAD v4.1: 2 of 1,613,774 alleles (0.00012%); highest among the groups gnomAD compares: Non-Finnish European, 0.000085%; no homozygotes.

Submissions (2):

Labcorp Genetics (formerly Invitae), Labcorp
Classification: Uncertain significance for Immunodeficiency, common variable, 10. Last evaluated: 2024-06-26. Review status: criteria provided, single submitter. Criteria: Invitae Variant Classification Sherloc (09022015). Collection method: clinical testing. Allele origin: germline.
Comment: This sequence change replaces isoleucine, which is neutral and non-polar, with methionine, which is neutral and non-polar, at codon 151 of the NFKB2 protein (p.Ile151Met). This variant is not present in population databases (gnomAD no frequency). This variant has not been reported in the literature in individuals affected with NFKB2-related conditions. ClinVar contains an entry for this variant (Variation ID: 1683526). Algorithms developed to predict the effect of missense changes on protein structure and function output the following: SIFT: "Not Available"; PolyPhen-2: "Benign"; Align-GVGD: "Not Available". The methionine amino acid residue is found in multiple mammalian species, which suggests that this missense change does not adversely affect protein function. In summary, the available evidence is currently insufficient to determine the role of this variant in disease. Therefore, it has been classified as a Variant of Uncertain Significance.

Laboratorio de Genetica e Diagnostico Molecular, Hospital Israelita Albert Einstein
Classification: Uncertain significance for Immunodeficiency, common variable, 10. Last evaluated: 2021-08-24. Review status: criteria provided, single submitter. Criteria: ACMG Guidelines, 2015. Collection method: clinical testing. Allele origin: germline. Affected: yes.
Comment: ACMG classification criteria: PM2, BP4 supporting